The following is an entry in ClinVar:

NM_004038.4(AMY1A):c.963C>T (p.Gly321=)

Gene: AMY1A (amylase alpha 1A; plus strand). Cytogenetic location: 1p21.1.
Variant type: single nucleotide variant.
Coding change: c.963C>T on transcript NM_004038.4 (MANE Select); coding-DNA position 963, C replaced by T.
Protein change: p.Gly321=; no amino-acid change (glycine 321 retained).
Molecular consequence: synonymous variant.
Genome position (GRCh38, 1-based): chr1:103,660,444, C>T. VCF-style: chr1-103660444-C-T. GRCh37 (hg19) VCF-style: chr1-104203066-C-T.
Other names: c.963C>T, p.Gly321= (NM_001008221.1).
Identifiers: ClinVar variation 711054 (VCV000711054.28), dbSNP rs138704923, ClinGen allele CA976844.

ClinVar aggregate classification (germline): Benign/Likely benign. Review status: criteria provided, multiple submitters, no conflicts (2 of 4 stars). 3 submissions from 3 submitters: Benign (2); Likely benign (1). Last evaluated 2025-05-01.

Allele frequency attached by ClinVar (database versions not stated): 1000 Genomes Project 30x 0.00265; 1000 Genomes Project 0.00280; gnomAD 0.00418; ESP Exome Variant Server 0.00501; gnomAD exomes 0.00644; ExAC 0.00705.

Submissions (3):

CeGaT Center for Human Genetics Tuebingen
Classification: Likely benign. Last evaluated: 2025-05-01. Review status: criteria provided, single submitter. Criteria: CeGaT Center For Human Genetics Tuebingen Variant Classification Criteria Version 2. Collection method: clinical testing. Allele origin: germline. Affected: yes. Observed: 6 variant alleles.
Comment: AMY1A: BP4, BP7, BS2

Labcorp Genetics (formerly Invitae), Labcorp
Classification: Benign. Last evaluated: 2018-07-16. Review status: criteria provided, single submitter. Criteria: Invitae Variant Classification Sherloc (09022015). Collection method: clinical testing. Allele origin: germline.

Breakthrough Genomics
Classification: Benign. Review status: criteria provided, single submitter. Criteria: ACMG Guidelines, 2015. Collection method: not provided. Allele origin: germline. Inheritance: Unknown mechanism. Affected: yes.